The following is an entry in ClinVar:

NM_001288705.3(CSF1R):c.1879_1881del (p.Lys627del)

Gene: CSF1R (colony stimulating factor 1 receptor; minus strand). Cytogenetic location: 5q32.
Variant type: Deletion.
Coding change: c.1879_1881del on transcript NM_001288705.3 (MANE Select); coding-DNA positions 1879 to 1881, 3 bases deleted (AAG; older notation c.1879_1881delAAG).
Protein change: p.Lys627del; deletes lysine 627.
Molecular consequence: inframe deletion. On other transcripts: non-coding transcript variant (2).
Genome position (GRCh38, 1-based): chr5:150,060,950-150,060,952, CTT deleted on the plus strand (AAG on the coding strand, the reverse complement: CSF1R is on the minus strand); deleting any 3 consecutive bases within chr5:150,060,950-150,060,954 gives the same sequence; the c. name uses the placement nearest the transcript's 3' end. VCF-style (leftmost placement, unchanged base first): chr5-150060949-CCTT-C. GRCh37 (hg19) VCF-style: chr5-149440512-CCTT-C.
Other names: c.1879_1881del, p.Lys627del (NM_001349736.2, NM_001375320.1, NM_005211.4); c.1435_1437del, p.Lys479del (NM_001375321.1); c.1879_1881delAAG (NM_005211.3); short protein forms K627del, K479del.
Identifiers: ClinVar variation 452495 (VCV000452495.2), dbSNP rs1554101963, ClinGen allele CA645564632.

ClinVar aggregate classification (germline): Uncertain significance. Review status: criteria provided, single submitter (1 of 4 stars). 2 submissions from 2 submitters: Uncertain significance (1). 1 of the submissions does not count toward it. Last evaluated 2017-09-28.

Conditions:
Brain abnormalities, neurodegeneration, and dysosteosclerosis. Identifiers: MedGen C5193117, MONDO:0032772, OMIM 618476.

Submissions (2):

GeneDx
Classification: Uncertain significance. Last evaluated: 2017-09-28. Review status: criteria provided, single submitter. Criteria: GeneDx Variant Classification (06012015). Collection method: clinical testing. Allele origin: germline. Affected: yes.
Comment: The c.1879_1881delAAG variant in the CSF1R gene has not been reported previously as a pathogenic variant, nor as a benign variant, to our knowledge. The c.1879_1881delAAG variant results in an in-frame, 3 base pair deletion and is predicted to cause loss of a Lysine residue at position 627 in the protein, denoted as p.Lys627del. In the absence of RNA/functional studies, the actual effect of c.1879_1881delAAG in this individual is unknown. The c.1879_1881delAAG variant is not observed in large population cohorts (Lek et al., 2016). We interpret c.1879_1881delAAG as a variant of uncertain significance.

OMIM
Classification: Pathogenic for BRAIN ABNORMALITIES, NEURODEGENERATION, AND DYSOSTEOSCLEROSIS. Last evaluated: 2019-06-21. Review status: no assertion criteria provided. Collection method: literature only. Allele origin: germline. Not counted in ClinVar's aggregate classification.

Literature cited by the submitters: PubMed 30982609 (cited by OMIM).